The following is an entry in ClinVar:

NM_000095.3(COMP):c.1682T>C (p.Val561Ala)

Gene: COMP (cartilage oligomeric matrix protein; minus strand). Cytogenetic location: 19p13.11.
Variant type: single nucleotide variant.
Coding change: c.1682T>C on transcript NM_000095.3 (MANE Select); coding-DNA position 1682, T replaced by C.
Protein change: p.Val561Ala; replaces valine 561 with alanine.
Molecular consequence: missense variant.
Genome position (GRCh38, 1-based): chr19:18,785,533, A>G on the plus strand (T>C on the coding strand, the complement: COMP is on the minus strand). VCF-style: chr19-18785533-A-G. GRCh37 (hg19) VCF-style: chr19-18896343-A-G.
Other names: short protein forms V561A.
Identifiers: ClinVar variation 2579325 (VCV002579325.5), dbSNP rs2055159045, ClinGen allele CA404880044.

ClinVar aggregate classification (germline): Uncertain significance. Review status: criteria provided, multiple submitters, no conflicts (2 of 4 stars). 3 submissions from 3 submitters: Uncertain significance (3). Last evaluated 2025-03-09.

Conditions:
Inborn genetic diseases. Identifiers: MedGen C0950123, MeSH D030342.

Allele frequency attached by ClinVar (database versions not stated): gnomAD exomes below 0.00001; TOPMed below 0.00001; gnomAD 0.00001.

Submissions (3):

Ambry Genetics
Classification: Uncertain significance for Inborn genetic diseases. Last evaluated: 2025-03-09. Review status: criteria provided, single submitter. Criteria: Ambry Variant Classification Scheme 2023. Collection method: clinical testing. Allele origin: germline.

Labcorp Genetics (formerly Invitae), Labcorp
Classification: Uncertain significance. Last evaluated: 2023-10-24. Review status: criteria provided, single submitter. Criteria: Invitae Variant Classification Sherloc (09022015). Collection method: clinical testing. Allele origin: germline.
Comment: This sequence change replaces valine, which is neutral and non-polar, with alanine, which is neutral and non-polar, at codon 561 of the COMP protein (p.Val561Ala). This variant is not present in population databases (gnomAD no frequency). This variant has not been reported in the literature in individuals affected with COMP-related conditions. ClinVar contains an entry for this variant (Variation ID: 2579325). Advanced modeling of protein sequence and biophysical properties (such as structural, functional, and spatial information, amino acid conservation, physicochemical variation, residue mobility, and thermodynamic stability) performed at Invitae indicates that this missense variant is not expected to disrupt COMP protein function with a negative predictive value of 80%. In summary, the available evidence is currently insufficient to determine the role of this variant in disease. Therefore, it has been classified as a Variant of Uncertain Significance.

GeneDx
Classification: Uncertain significance. Last evaluated: 2023-03-08. Review status: criteria provided, single submitter. Criteria: GeneDx Variant Classification Process June 2021. Collection method: clinical testing. Allele origin: germline. Affected: yes.
Comment: Not observed at significant frequency in large population cohorts (gnomAD); In silico analysis supports that this missense variant has a deleterious effect on protein structure/function; Has not been previously published as pathogenic or benign to our knowledge